The following is an entry in ClinVar:

NM_001845.6(COL4A1):c.958-5del

Gene: COL4A1 (collagen type IV alpha 1 chain; minus strand). Cytogenetic location: 13q34.
Variant type: Deletion.
Coding change: c.958-5del on transcript NM_001845.6 (MANE Select); 5 bases into the intron before coding-DNA position 958, one base deleted (T; older notation c.958-5delT).
Molecular consequence: intron variant.
Genome position (GRCh38, 1-based): chr13:110,203,612, A deleted on the plus strand (T on the coding strand, the reverse complement: COL4A1 is on the minus strand); the first of 4 consecutive A bases (chr13:110,203,612-110,203,615); deleting any one gives the same sequence. VCF-style (leftmost placement, unchanged base first): chr13-110203611-CA-C. GRCh37 (hg19) VCF-style: chr13-110855958-CA-C.
Other names: c.958-5del (NM_001303110.2).
Identifiers: ClinVar variation 2070113 (VCV002070113.6), dbSNP rs749003041, ClinGen allele CA7048181.

ClinVar aggregate classification (germline): Conflicting classifications of pathogenicity. Review status: criteria provided, conflicting classifications (1 of 4 stars). 2 submissions from 2 submitters: Uncertain significance (1); Benign (1). Last evaluated 2026-02-02.

Submissions (2):

GeneDx
Classification: Uncertain significance. Last evaluated: 2026-02-02. Review status: criteria provided, single submitter. Criteria: GeneDx Variant Classification Process June 2021. Collection method: clinical testing. Allele origin: germline.
Comment: In silico analysis supports that this variant does not alter splicing; Has not been previously published as pathogenic or benign to our knowledge

Labcorp Genetics (formerly Invitae), Labcorp
Classification: Benign. Last evaluated: 2025-06-10. Review status: criteria provided, single submitter. Criteria: Invitae Variant Classification Sherloc (09022015). Collection method: clinical testing. Allele origin: germline.